The following is an entry in ClinVar:

ClinVar aggregate classification (germline): Conflicting classifications of pathogenicity. Review status: criteria provided, conflicting classifications (1 of 4 stars). 2 submissions from 2 submitters: Likely pathogenic (1); Uncertain significance (1). Last evaluated 2024-08-13.

Conditions:
Developmental and epileptic encephalopathy, 31A. Also called: Developmental and epileptic encephalopathy, 31; Epileptic encephalopathy, early infantile, 31. Identifiers: Orphanet 2382, MedGen C4225357, MONDO:0014598, OMIM 616346.

Submissions (2):

GeneDx
Classification: Uncertain significance. Last evaluated: 2024-08-13. Review status: criteria provided, single submitter. Criteria: GeneDx Variant Classification Process June 2021. Collection method: clinical testing. Allele origin: germline. Affected: yes.
Comment: Not observed at significant frequency in large population cohorts (gnomAD); In silico analysis indicates that this missense variant does not alter protein structure/function; Has not been previously published as pathogenic or benign to our knowledge

Labcorp Genetics (formerly Invitae), Labcorp
Classification: Likely pathogenic for Developmental and epileptic encephalopathy, 31A. Last evaluated: 2022-06-13. Review status: criteria provided, single submitter. Criteria: Invitae Variant Classification Sherloc (09022015). Collection method: clinical testing. Allele origin: germline.
Comment: This sequence change replaces glutamine, which is neutral and polar, with proline, which is neutral and non-polar, at codon 448 of the DNM1 protein (p.Gln448Pro). In summary, the currently available evidence indicates that the variant is pathogenic, but additional data are needed to prove that conclusively. Therefore, this variant has been classified as Likely Pathogenic. Advanced modeling of protein sequence and biophysical properties (such as structural, functional, and spatial information, amino acid conservation, physicochemical variation, residue mobility, and thermodynamic stability) performed at Invitae indicates that this missense variant is not expected to disrupt DNM1 protein function. This missense change has been observed in individual(s) with developmental and epileptic encephalopathy (Invitae). In at least one individual the variant was observed to be de novo. This variant is not present in population databases (gnomAD no frequency).

NM_004408.4(DNM1):c.1343A>C (p.Gln448Pro)

Gene: DNM1 (dynamin 1; plus strand). Cytogenetic location: 9q34.11.
Variant type: single nucleotide variant.
Coding change: c.1343A>C on transcript NM_004408.4 (MANE Select); coding-DNA position 1343, A replaced by C.
Protein change: p.Gln448Pro; replaces glutamine 448 with proline.
Molecular consequence: missense variant.
Genome position (GRCh38, 1-based): chr9:128,234,028, A>C. VCF-style: chr9-128234028-A-C. GRCh37 (hg19) VCF-style: chr9-130996307-A-C.
Other names: c.1343A>C, p.Gln448Pro (NM_001005336.3, NM_001288737.2, NM_001288738.2 and 2 more transcripts); c.1343A>C (NM_004408.3); short protein forms Q448P.
Identifiers: ClinVar variation 2088693 (VCV002088693.4), dbSNP rs1835857188, ClinGen allele CA375022665.